The following is an entry in ClinVar:

NM_000051.4(ATM):c.871C>T (p.His291Tyr)

Gene: ATM (ATM serine/threonine kinase; plus strand). Cytogenetic location: 11q22.3.
Variant type: single nucleotide variant.
Coding change: c.871C>T on transcript NM_000051.4 (MANE Select); coding-DNA position 871, C replaced by T.
Protein change: p.His291Tyr; replaces histidine 291 with tyrosine.
Molecular consequence: missense variant.
Genome position (GRCh38, 1-based): chr11:108,244,996, C>T. VCF-style: chr11-108244996-C-T. GRCh37 (hg19) VCF-style: chr11-108115723-C-T.
Other names: c.871C>T, p.His291Tyr (NM_001351834.2); short protein forms H291Y.
Identifiers: ClinVar variation 2733994 (VCV002733994.4), dbSNP rs1555067280, ClinGen allele CA382529536.

ClinVar aggregate classification (germline): Uncertain significance. Review status: criteria provided, multiple submitters, no conflicts (2 of 4 stars). 2 submissions from 2 submitters: Uncertain significance (2). Last evaluated 2024-08-11.

Conditions:
Ataxia-telangiectasia syndrome (AT). Also called: Cerebello-oculocutaneous telangiectasia; Immunodeficiency with ataxia telangiectasia; Ataxia telangiectasia (A-T); Ataxia-telangiectasia, complementation group E; LOUIS-BAR SYNDROME; Ataxia-telangiectasia, complementation group D. Identifiers: Orphanet 100, MedGen C0004135, MONDO:0008840, OMIM 208900.
Hereditary cancer-predisposing syndrome. Also called: Hereditary neoplastic syndrome; Hereditary Cancer Syndrome; Neoplastic Syndromes, Hereditary; Tumor predisposition. Identifiers: Orphanet 140162, MedGen C0027672, MeSH D009386, MONDO:0015356.

Submissions (2):

Ambry Genetics
Classification: Uncertain significance for Hereditary cancer-predisposing syndrome. Last evaluated: 2024-08-11. Review status: criteria provided, single submitter. Criteria: Ambry Variant Classification Scheme 2023. Collection method: clinical testing. Allele origin: germline.
Comment: The p.H291Y variant (also known as c.871C>T), located in coding exon 6 of the ATM gene, results from a C to T substitution at nucleotide position 871. The histidine at codon 291 is replaced by tyrosine, an amino acid with similar properties. This amino acid position is conserved. In addition, this alteration is predicted to be deleterious by in silico analysis. Based on the available evidence, the clinical significance of this variant remains unclear.

Labcorp Genetics (formerly Invitae), Labcorp
Classification: Uncertain significance for Ataxia-telangiectasia syndrome. Last evaluated: 2023-05-27. Review status: criteria provided, single submitter. Criteria: Invitae Variant Classification Sherloc (09022015). Collection method: clinical testing. Allele origin: germline.
Comment: In summary, the available evidence is currently insufficient to determine the role of this variant in disease. Therefore, it has been classified as a Variant of Uncertain Significance. An algorithm developed to predict the effect of missense changes on protein structure and function (PolyPhen-2) suggests that this variant is likely to be disruptive. This variant has not been reported in the literature in individuals affected with ATM-related conditions. This variant is not present in population databases (gnomAD no frequency). This sequence change replaces histidine, which is basic and polar, with tyrosine, which is neutral and polar, at codon 291 of the ATM protein (p.His291Tyr).